The following is an entry in ClinVar:

NM_002473.6(MYH9):c.1051A>G (p.Asn351Asp)

Gene: MYH9 (myosin heavy chain 9; minus strand). Cytogenetic location: 22q12.3.
Variant type: single nucleotide variant.
Coding change: c.1051A>G on transcript NM_002473.6 (MANE Select); coding-DNA position 1051, A replaced by G.
Protein change: p.Asn351Asp; replaces asparagine 351 with aspartic acid.
Molecular consequence: missense variant.
Genome position (GRCh38, 1-based): chr22:36,319,597, T>C on the plus strand (A>G on the coding strand, the complement: MYH9 is on the minus strand). VCF-style: chr22-36319597-T-C. GRCh37 (hg19) VCF-style: chr22-36715642-T-C.
Other names: short protein forms N351D.
Identifiers: ClinVar variation 3027138 (VCV003027138.22), dbSNP rs2017217336, ClinGen allele CA411404273.
Genomic context (GRCh38, chr22:36,319,597, plus strand): 5'-TACCTGTGTTGTCGGGCATGGACGCCTGGTCAGTGTTCCGCTCCTTCTTGAAGACGATGT[T>C]GCCGAGCTGAAGAACCCCTGAGATGACCCGCAGCAGGCCTTTGGGTGCAATCAGAGGCAG-3'
Protein context (NP_002464.1, residues 341-361): RVISGVLQLG[Asn351Asp]IVFKKERNTD

ClinVar aggregate classification (germline): Uncertain significance (1 of 4 stars; one submission).

Submission:

CeGaT Center for Human Genetics Tuebingen
Classification: Uncertain significance. Last evaluated: 2024-02-01. Review status: criteria provided, single submitter. Criteria: CeGaT Center For Human Genetics Tuebingen Variant Classification Criteria Version 2. Collection method: clinical testing. Allele origin: germline. Affected: yes. Observed: 1 variant allele.
Comment: MYH9: PM2, PP3